The following is an entry in ClinVar:

ClinVar aggregate classification (germline): Benign (1 of 4 stars; one submission).

Conditions:
Sessile serrated polyposis cancer syndrome (SSPCS). Identifiers: Orphanet 157798, MedGen C4310714, MONDO:0014919, OMIM 617108.

Submission:

Myriad Genetics, Inc.
Classification: Benign for Sessile serrated polyposis cancer syndrome. Last evaluated: 2026-07-02. Review status: criteria provided, single submitter. Criteria: Myriad Autosomal Dominant, Autosomal Recessive and X-Linked Classification Criteria (2023). Collection method: clinical testing. Allele origin: unknown.
Comment: This variant is considered benign. This variant is a silent/synonymous amino acid change and it is not expected to impact splicing.

NM_017763.6(RNF43):c.2002C>A (p.Arg668=)

Gene: RNF43 (ring finger protein 43; minus strand). Cytogenetic location: 17q22.
Variant type: single nucleotide variant.
Coding change: c.2002C>A on transcript NM_017763.6 (MANE Select); coding-DNA position 2002, C replaced by A.
Protein change: p.Arg668=; no amino-acid change (arginine 668 retained).
Molecular consequence: synonymous variant.
Genome position (GRCh38, 1-based): chr17:58,357,774, G>T on the plus strand (C>A on the coding strand, the complement: RNF43 is on the minus strand). VCF-style: chr17-58357774-G-T. GRCh37 (hg19) VCF-style: chr17-56435135-G-T.
Other names: c.2002C>A, p.Arg668= (NM_001305544.3, NM_001438820.1, NM_001438821.1 and 1 more transcripts); c.1621C>A, p.Arg541= (NM_001305545.2, NM_001437987.1).
Identifiers: ClinVar variation 5042423 (VCV005042423.1).
Genomic context (GRCh38, chr17:58,357,774, plus strand): 5'-CACTGGGGGTGTAATGGGGAAAAATCTGGCAAGCTGGGTGCACAGTTGCATCCTGGGGCC[G>T]AGAGCCAGGGGTGGGCTCGGAGGGACCCCCCCGCCTTTTCCTCTGTGGGTGTCGGGCAGA-3'
Protein context (NP_060233.3, residues 658-678): GGPSEPTPGS[Arg668=]PQDATVHPAC